The following is an entry in ClinVar:

ClinVar aggregate classification (germline): Uncertain significance (1 of 4 stars; one submission).

Allele frequency attached by ClinVar (database versions not stated): ExAC 0.00001.

Submission:

Ambry Genetics
Classification: Uncertain significance. Last evaluated: 2024-06-15. Review status: criteria provided, single submitter. Criteria: Ambry Variant Classification Scheme 2023. Collection method: clinical testing. Allele origin: germline.
Comment: The p.S1310G variant (also known as c.3928A>G), located in coding exon 4 of the ALPK2 gene, results from an A to G substitution at nucleotide position 3928. The serine at codon 1310 is replaced by glycine, an amino acid with similar properties. This amino acid position is conserved. In addition, this alteration is predicted to be tolerated by in silico analysis. Since supporting evidence is limited at this time, the clinical significance of this alteration remains unclear.

NM_052947.4(ALPK2):c.3928A>G (p.Ser1310Gly)

Genes: ALPK2 (alpha kinase 2; minus strand), LOC126862764 (BRD4-independent group 4 enhancer GRCh37_chr18:56202574-56203773; plus strand). Cytogenetic location: 18q21.31.
Variant type: single nucleotide variant.
Coding change: c.3928A>G on transcript NM_052947.4 (MANE Select); coding-DNA position 3928, A replaced by G.
Protein change: p.Ser1310Gly; replaces serine 1310 with glycine.
Molecular consequence: missense variant.
Genome position (GRCh38, 1-based): chr18:58,536,259, T>C on the plus strand (A>G on the coding strand, the complement: ALPK2 is on the minus strand). VCF-style: chr18-58536259-T-C. GRCh37 (hg19) VCF-style: chr18-56203491-T-C.
Other names: short protein forms S1310G.
Identifiers: ClinVar variation 1736240 (VCV001736240.3), dbSNP rs764077144, ClinGen allele CA8976808.